The following is an entry in ClinVar:

NM_020381.4(PDSS2):c.1045C>G (p.Arg349Gly)

Gene: PDSS2 (decaprenyl diphosphate synthase subunit 2; minus strand). Cytogenetic location: 6q21.
Variant type: single nucleotide variant.
Coding change: c.1045C>G on transcript NM_020381.4 (MANE Select); coding-DNA position 1045, C replaced by G.
Protein change: p.Arg349Gly; replaces arginine 349 with glycine.
Molecular consequence: missense variant.
Genome position (GRCh38, 1-based): chr6:107,154,774, G>C on the plus strand (C>G on the coding strand, the complement: PDSS2 is on the minus strand). VCF-style: chr6-107154774-G-C. GRCh37 (hg19) VCF-style: chr6-107475978-G-C.
Other names: short protein forms R349G.
Identifiers: ClinVar variation 1946521 (VCV001946521.5), dbSNP rs370370070, ClinGen allele CA3945914.

ClinVar aggregate classification (germline): Uncertain significance (1 of 4 stars; one submission).

gnomAD v4.1: 7 of 1,613,872 alleles (0.00043%); highest among the groups gnomAD compares: South Asian, 0.0055%; no homozygotes.

Submission:

Labcorp Genetics (formerly Invitae), Labcorp
Classification: Uncertain significance. Last evaluated: 2022-05-08. Review status: criteria provided, single submitter. Criteria: Invitae Variant Classification Sherloc (09022015). Collection method: clinical testing. Allele origin: germline.
Comment: This sequence change replaces arginine, which is basic and polar, with glycine, which is neutral and non-polar, at codon 349 of the PDSS2 protein (p.Arg349Gly). This variant is present in population databases (rs370370070, gnomAD 0.003%). This variant has not been reported in the literature in individuals affected with PDSS2-related conditions. Algorithms developed to predict the effect of missense changes on protein structure and function (SIFT, PolyPhen-2, Align-GVGD) all suggest that this variant is likely to be tolerated. In summary, the available evidence is currently insufficient to determine the role of this variant in disease. Therefore, it has been classified as a Variant of Uncertain Significance.